The following is an entry in ClinVar:

NM_001130438.3(SPTAN1):c.2297A>G (p.Tyr766Cys)

Gene: SPTAN1 (spectrin alpha, non-erythrocytic 1; plus strand). Cytogenetic location: 9q34.11.
Variant type: single nucleotide variant.
Coding change: c.2297A>G on transcript NM_001130438.3 (MANE Select); coding-DNA position 2297, A replaced by G.
Protein change: p.Tyr766Cys; replaces tyrosine 766 with cysteine.
Molecular consequence: missense variant.
Genome position (GRCh38, 1-based): chr9:128,584,385, A>G. VCF-style: chr9-128584385-A-G. GRCh37 (hg19) VCF-style: chr9-131346664-A-G.
Other names: c.2297A>G, p.Tyr766Cys (NM_001195532.2, NM_001363759.2, NM_001363765.2 and 5 more transcripts); c.2297A>G (NM_001130438.2); c.2333A>G, p.Tyr778Cys (NM_001375312.2, NM_001375318.1); short protein forms Y766C, Y778C.
Identifiers: ClinVar variation 2827942 (VCV002827942.4), dbSNP rs763975559, ClinGen allele CA5264610.

ClinVar aggregate classification (germline): Uncertain significance. Review status: criteria provided, multiple submitters, no conflicts (2 of 4 stars). 2 submissions from 2 submitters: Uncertain significance (2). Last evaluated 2025-10-28.

Conditions:
Early-infantile DEE. Also called: Early infantile epileptic encephalopathy; Early infantile epileptic encephalopathy with suppression bursts; Ohtahara syndrome. Identifiers: Orphanet 1934, MedGen C0393706, MONDO:0800491.
Inborn genetic diseases. Identifiers: MedGen C0950123, MeSH D030342.

Allele frequency attached by ClinVar (database versions not stated): gnomAD exomes below 0.00001; ExAC 0.00001.
gnomAD v4.1: 5 of 1,614,188 alleles (0.00031%); highest among the groups gnomAD compares: Non-Finnish European, 0.00042%; no homozygotes.

Submissions (2):

Ambry Genetics
Classification: Uncertain significance for Inborn genetic diseases. Last evaluated: 2025-10-28. Review status: criteria provided, single submitter. Criteria: Ambry Variant Classification Scheme 2023. Collection method: clinical testing. Allele origin: germline.
Comment: The c.2297A>G (p.Y766C) alteration is located in exon 17 (coding exon 16) of the SPTAN1 gene. This alteration results from a A to G substitution at nucleotide position 2297, causing the tyrosine (Y) at amino acid position 766 to be replaced by a cysteine (C). Based on data from gnomAD, the G allele has an overall frequency of <0.001% (1/250752) total alleles studied. The highest observed frequency was 0.005% (1/18374) of East Asian alleles. Based on insufficient or conflicting evidence, the clinical significance of this alteration remains unclear.

Labcorp Genetics (formerly Invitae), Labcorp
Classification: Uncertain significance for Early-infantile DEE. Last evaluated: 2023-09-23. Review status: criteria provided, single submitter. Criteria: Invitae Variant Classification Sherloc (09022015). Collection method: clinical testing. Allele origin: germline.
Comment: In summary, the available evidence is currently insufficient to determine the role of this variant in disease. Therefore, it has been classified as a Variant of Uncertain Significance. Advanced modeling of protein sequence and biophysical properties (such as structural, functional, and spatial information, amino acid conservation, physicochemical variation, residue mobility, and thermodynamic stability) has been performed at Invitae for this missense variant, however the output from this modeling did not meet the statistical confidence thresholds required to predict the impact of this variant on SPTAN1 protein function. This variant has not been reported in the literature in individuals affected with SPTAN1-related conditions. This variant is present in population databases (rs763975559, gnomAD 0.006%). This sequence change replaces tyrosine, which is neutral and polar, with cysteine, which is neutral and slightly polar, at codon 766 of the SPTAN1 protein (p.Tyr766Cys).